The following is an entry in ClinVar:

NM_001365999.1(SZT2):c.4200T>G (p.Phe1400Leu)

Gene: SZT2 (SZT2 subunit of KICSTOR complex; plus strand). Cytogenetic location: 1p34.2.
Variant type: single nucleotide variant.
Coding change: c.4200T>G on transcript NM_001365999.1 (MANE Select); coding-DNA position 4200, T replaced by G.
Protein change: p.Phe1400Leu; replaces phenylalanine 1400 with leucine.
Molecular consequence: missense variant.
Genome position (GRCh38, 1-based): chr1:43,429,736, T>G. VCF-style: chr1-43429736-T-G. GRCh37 (hg19) VCF-style: chr1-43895407-T-G.
Other names: c.4029T>G (NM_015284.3); c.4029T>G, p.Phe1343Leu (NM_015284.4); short protein forms F1343L, F1400L.
Identifiers: ClinVar variation 1481628 (VCV001481628.8), dbSNP rs986103246, ClinGen allele CA21635717.

ClinVar aggregate classification (germline): Uncertain significance (1 of 4 stars; one submission).

Conditions:
Developmental and epileptic encephalopathy, 18 (DEE18). Also called: Early infantile epileptic encephalopathy 18. Identifiers: Orphanet 369894, MedGen C3809624, MONDO:0014201, OMIM 615476.

Allele frequency attached by ClinVar (database versions not stated): TOPMed below 0.00001.

Submission:

Labcorp Genetics (formerly Invitae), Labcorp
Classification: Uncertain significance. Last evaluated: 2022-08-09. Review status: criteria provided, single submitter. Criteria: Invitae Variant Classification Sherloc (09022015). Collection method: clinical testing. Allele origin: germline.
Comment: Algorithms developed to predict the effect of missense changes on protein structure and function (SIFT, PolyPhen-2, Align-GVGD) all suggest that this variant is likely to be tolerated. This sequence change replaces phenylalanine, which is neutral and non-polar, with leucine, which is neutral and non-polar, at codon 1343 of the SZT2 protein (p.Phe1343Leu). This variant is not present in population databases (gnomAD no frequency). This variant has not been reported in the literature in individuals affected with SZT2-related conditions. ClinVar contains an entry for this variant (Variation ID: 1481628). In summary, the available evidence is currently insufficient to determine the role of this variant in disease. Therefore, it has been classified as a Variant of Uncertain Significance.